The following is an entry in ClinVar:

ClinVar aggregate classification (germline): Conflicting classifications of pathogenicity. Review status: criteria provided, conflicting classifications (1 of 4 stars). 2 submissions from 2 submitters: Uncertain significance (1); Likely benign (1). Last evaluated 2025-03-01.

gnomAD v4.1: 22 of 1,614,030 alleles (0.0014%); highest among the groups gnomAD compares: African/African-American, 0.011%; no homozygotes.

Submissions (2):

CeGaT Center for Human Genetics Tuebingen
Classification: Uncertain significance. Last evaluated: 2025-03-01. Review status: criteria provided, single submitter. Criteria: CeGaT Center For Human Genetics Tuebingen Variant Classification Criteria Version 2. Collection method: clinical testing. Allele origin: germline. Affected: yes. Observed: 1 variant allele.
Comment: SVIL: PM2, BP4

Ambry Genetics
Classification: Likely benign. Last evaluated: 2024-10-22. Review status: criteria provided, single submitter. Criteria: Ambry Variant Classification Scheme 2023. Collection method: clinical testing. Allele origin: germline.

NM_021738.3(SVIL):c.502C>T (p.Pro168Ser)

Gene: SVIL (supervillin; minus strand). Cytogenetic location: 10p11.23.
Variant type: single nucleotide variant.
Coding change: c.502C>T on transcript NM_021738.3 (MANE Select); coding-DNA position 502, C replaced by T.
Protein change: p.Pro168Ser; replaces proline 168 with serine.
Molecular consequence: missense variant.
Genome position (GRCh38, 1-based): chr10:29,550,922, G>A on the plus strand (C>T on the coding strand, the complement: SVIL is on the minus strand). VCF-style: chr10-29550922-G-A. GRCh37 (hg19) VCF-style: chr10-29839851-G-A.
Other names: c.502C>T, p.Pro168Ser (NM_001323599.2, NM_001323600.1, NM_003174.3); short protein forms P168S.
Identifiers: ClinVar variation 3451615 (VCV003451615.8).